The following is an entry in ClinVar:

NM_005105.5(RBM8A):c.448T>C (p.Phe150Leu)

Gene: RBM8A (RNA binding motif protein 8A; minus strand). Cytogenetic location: 1q21.1.
Variant type: single nucleotide variant.
Coding change: c.448T>C on transcript NM_005105.5 (MANE Select); coding-DNA position 448, T replaced by C.
Protein change: p.Phe150Leu; replaces phenylalanine 150 with leucine.
Molecular consequence: missense variant.
Genome position (GRCh38, 1-based): chr1:145,926,072, A>G on the plus strand (T>C on the coding strand, the complement: RBM8A is on the minus strand). VCF-style: chr1-145926072-A-G. GRCh37 (hg19) VCF-style: chr1-145509021-T-C.
Other names: short protein forms F150L.
Identifiers: ClinVar variation 4808116 (VCV004808116.1).

ClinVar aggregate classification (germline): Uncertain significance (1 of 4 stars; one submission).

Conditions:
Radial aplasia-thrombocytopenia syndrome (TAR). Also called: Thrombocytopenia Absent Radius Syndrome; TAR syndrome. Identifiers: Orphanet 3320, MedGen C0175703, MeSH C536940, MONDO:0010121, OMIM 274000.

Submission:

Labcorp Genetics (formerly Invitae), Labcorp
Classification: Uncertain significance for Radial aplasia-thrombocytopenia syndrome. Last evaluated: 2025-07-20. Review status: criteria provided, single submitter. Criteria: Invitae Variant Classification Sherloc (09022015). Collection method: clinical testing. Allele origin: germline.
Comment: This sequence change replaces phenylalanine, which is neutral and non-polar, with leucine, which is neutral and non-polar, at codon 150 of the RBM8A protein (p.Phe150Leu). This variant is not present in population databases (gnomAD no frequency). This variant has not been reported in the literature in individuals affected with RBM8A-related conditions. An algorithm developed to predict the effect of missense changes on protein structure and function (PolyPhen-2) suggests that this variant is likely to be disruptive. In summary, the available evidence is currently insufficient to determine the role of this variant in disease. Therefore, it has been classified as a Variant of Uncertain Significance.